The following is an entry in ClinVar:

ClinVar aggregate classification (germline): Uncertain significance. Review status: criteria provided, multiple submitters, no conflicts (2 of 4 stars). 3 submissions from 3 submitters: Uncertain significance (2). 1 of the submissions does not count toward it. Last evaluated 2023-08-29.

Conditions:
Inborn genetic diseases. Identifiers: MedGen C0950123, MeSH D030342.
Athabaskan severe combined immunodeficiency (SCIDA). Also called: Severe combined immunodeficiency, athabascan-type. Identifiers: MedGen C1865370.
Severe combined immunodeficiency due to DCLRE1C deficiency (RS-SCID). Also called: SCID, AUTOSOMAL RECESSIVE, T CELL-NEGATIVE, B CELL-NEGATIVE, NK CELL-POSITIVE, WITH SENSITIVITY TO IONIZING RADIATION. Identifiers: Orphanet 275, MedGen C1865371, MONDO:0011225, OMIM 602450.

Allele frequency attached by ClinVar (database versions not stated): gnomAD exomes below 0.00001; gnomAD 0.00001.

Submissions (3):

Ambry Genetics
Classification: Uncertain significance for Inborn genetic diseases. Last evaluated: 2023-08-29. Review status: criteria provided, single submitter. Criteria: Ambry Variant Classification Scheme 2023. Collection method: clinical testing. Allele origin: germline.

Labcorp Genetics (formerly Invitae), Labcorp
Classification: Uncertain significance for Athabaskan severe combined immunodeficiency. Last evaluated: 2021-08-28. Review status: criteria provided, single submitter. Criteria: Invitae Variant Classification Sherloc (09022015). Collection method: clinical testing. Allele origin: germline.
Comment: This sequence change replaces valine with aspartic acid at codon 682 of the DCLRE1C protein (p.Val682Asp). The valine residue is weakly conserved and there is a large physicochemical difference between valine and aspartic acid. This variant is not present in population databases (ExAC no frequency). This variant has not been reported in the literature in individuals affected with DCLRE1C-related conditions. Algorithms developed to predict the effect of missense changes on protein structure and function (SIFT, PolyPhen-2, Align-GVGD) all suggest that this variant is likely to be tolerated. In summary, the available evidence is currently insufficient to determine the role of this variant in disease. Therefore, it has been classified as a Variant of Uncertain Significance.

Natera, Inc.
Classification: Uncertain significance for Athabascan severe combined immunodeficiency. Last evaluated: 2020-08-28. Review status: no assertion criteria provided. Collection method: clinical testing. Allele origin: germline. Not counted in ClinVar's aggregate classification.

NM_001033855.3(DCLRE1C):c.2045T>A (p.Val682Asp)

Gene: DCLRE1C (DNA cross-link repair 1C; minus strand). Cytogenetic location: 10p13.
Variant type: single nucleotide variant.
Coding change: c.2045T>A on transcript NM_001033855.3 (MANE Select); coding-DNA position 2045, T replaced by A.
Protein change: p.Val682Asp; replaces valine 682 with aspartic acid.
Molecular consequence: missense variant. On other transcripts: non-coding transcript variant (3), intron variant (3).
Genome position (GRCh38, 1-based): chr10:14,908,442, A>T on the plus strand (T>A on the coding strand, the complement: DCLRE1C is on the minus strand). VCF-style: chr10-14908442-A-T. GRCh37 (hg19) VCF-style: chr10-14950441-A-T.
Other names: c.1685T>A, p.Val562Asp (NM_001033857.3, NM_001033858.3, NM_001289077.2 and 1 more transcripts); c.1700T>A, p.Val567Asp (NM_001289076.2, NM_001289078.2, NM_022487.4); c.1437+263T>A (NM_001350966.2); c.1782+263T>A (NM_001350965.2); c.1422+263T>A (NM_001350967.2); c.2045T>A (NM_001033855.1); short protein forms V682D, V567D, V562D.
Identifiers: ClinVar variation 567609 (VCV000567609.6), dbSNP rs1033877372, ClinGen allele CA203427771.